The following is an entry in ClinVar:

NM_015164.4(PLEKHM2):c.514C>T (p.Pro172Ser)

Gene: PLEKHM2 (pleckstrin homology and RUN domain containing M2; plus strand). Cytogenetic location: 1p36.21.
Variant type: single nucleotide variant.
Coding change: c.514C>T on transcript NM_015164.4 (MANE Select); coding-DNA position 514, C replaced by T.
Protein change: p.Pro172Ser; replaces proline 172 with serine.
Molecular consequence: missense variant.
Genome position (GRCh38, 1-based): chr1:15,719,782, C>T. VCF-style: chr1-15719782-C-T. GRCh37 (hg19) VCF-style: chr1-16046277-C-T.
Other names: c.514C>T, p.Pro172Ser (NM_001410755.1); short protein forms P172S.
Identifiers: ClinVar variation 4812708 (VCV004812708.1).

ClinVar aggregate classification (germline): Uncertain significance (1 of 4 stars; one submission).

gnomAD v4.1: 1 of 1,613,794 alleles (0.000062%); highest among the groups gnomAD compares: East Asian, 0.0022%; no homozygotes.

Submission:

Labcorp Genetics (formerly Invitae), Labcorp
Classification: Uncertain significance. Last evaluated: 2025-09-27. Review status: criteria provided, single submitter. Criteria: Invitae Variant Classification Sherloc (09022015). Collection method: clinical testing. Allele origin: germline.
Comment: This sequence change replaces proline, which is neutral and non-polar, with serine, which is neutral and polar, at codon 172 of the PLEKHM2 protein (p.Pro172Ser). This variant is not present in population databases (gnomAD no frequency). This variant has not been reported in the literature in individuals affected with PLEKHM2-related conditions. An algorithm developed to predict the effect of missense changes on protein structure and function (PolyPhen-2) suggests that this variant is likely to be disruptive. In summary, the available evidence is currently insufficient to determine the role of this variant in disease. Therefore, it has been classified as a Variant of Uncertain Significance.